The following is an entry in ClinVar:

NM_001042492.3(NF1):c.3433A>G (p.Thr1145Ala)

Gene: NF1 (neurofibromin 1; plus strand). Cytogenetic location: 17q11.2.
Variant type: single nucleotide variant.
Coding change: c.3433A>G on transcript NM_001042492.3 (MANE Select); coding-DNA position 3433, A replaced by G.
Protein change: p.Thr1145Ala; replaces threonine 1145 with alanine.
Molecular consequence: missense variant.
Genome position (GRCh38, 1-based): chr17:31,232,818, A>G. VCF-style: chr17-31232818-A-G. GRCh37 (hg19) VCF-style: chr17-29559836-A-G.
Other names: c.3433A>G, p.Thr1145Ala (NM_000267.4); short protein forms T1145A.
Identifiers: ClinVar variation 1479094 (VCV001479094.9), dbSNP rs1450606511, ClinGen allele CA398989256.

ClinVar aggregate classification (germline): Uncertain significance. Review status: criteria provided, multiple submitters, no conflicts (2 of 4 stars). 2 submissions from 2 submitters: Uncertain significance (2). Last evaluated 2023-07-07.

Conditions:
Cardiovascular phenotype. Identifiers: MedGen CN230736.
Hereditary cancer-predisposing syndrome. Also called: Hereditary neoplastic syndrome; Tumor predisposition; Neoplastic Syndromes, Hereditary; Hereditary Cancer Syndrome. Identifiers: Orphanet 140162, MedGen C0027672, MeSH D009386, MONDO:0015356.
Neurofibromatosis, type 1 (NF1). Also called: Neurofibromatosis, type I; VON RECKLINGHAUSEN DISEASE; NEUROFIBROMATOSIS, TYPE I, SOMATIC; Peripheral type neurofibromatosis. Identifiers: Orphanet 636, MedGen C0027831, MONDO:0018975, OMIM 162200. Disease mechanism: loss of function.

Allele frequency attached by ClinVar (database versions not stated): gnomAD exomes below 0.00001.
gnomAD v4.1: 1 of 1,614,166 alleles (0.000062%); no homozygotes.

Submissions (2):

Labcorp Genetics (formerly Invitae), Labcorp
Classification: Uncertain significance for Neurofibromatosis, type 1. Last evaluated: 2023-07-07. Review status: criteria provided, single submitter. Criteria: Invitae Variant Classification Sherloc (09022015). Collection method: clinical testing. Allele origin: germline.
Comment: This sequence change replaces threonine, which is neutral and polar, with alanine, which is neutral and non-polar, at codon 1145 of the NF1 protein (p.Thr1145Ala). The frequency data for this variant in the population databases is considered unreliable, as metrics indicate poor data quality at this position in the gnomAD database. This variant has not been reported in the literature in individuals affected with NF1-related conditions. ClinVar contains an entry for this variant (Variation ID: 1479094). Advanced modeling of protein sequence and biophysical properties (such as structural, functional, and spatial information, amino acid conservation, physicochemical variation, residue mobility, and thermodynamic stability) has been performed at Invitae for this missense variant, however the output from this modeling did not meet the statistical confidence thresholds required to predict the impact of this variant on NF1 protein function. In summary, the available evidence is currently insufficient to determine the role of this variant in disease. Therefore, it has been classified as a Variant of Uncertain Significance.

Ambry Genetics
Classification: Uncertain significance for Cardiovascular phenotype; Hereditary cancer-predisposing syndrome. Last evaluated: 2023-01-11. Review status: criteria provided, single submitter. Criteria: Ambry Variant Classification Scheme 2023. Collection method: clinical testing. Allele origin: germline.
Comment: The p.T1145A variant (also known as c.3433A>G), located in coding exon 26 of the NF1 gene, results from an A to G substitution at nucleotide position 3433. The threonine at codon 1145 is replaced by alanine, an amino acid with similar properties. This amino acid position is highly conserved in available vertebrate species. In addition, the in silico prediction for this alteration is inconclusive. Since supporting evidence is limited at this time, the clinical significance of this alteration remains unclear.